The following is an entry in ClinVar:

ClinVar aggregate classification (germline): Pathogenic (1 of 4 stars; one submission).

Conditions:
Congenital muscular dystrophy due to integrin alpha-7 deficiency. Also called: Congenital muscular dystrophy with integrin alpha-7 deficiency; Muscular dystrophy, congenital, due to ITGA7 deficiency; MYOPATHY, CONGENITAL, DUE TO INTEGRIN ALPHA-7 DEFICIENCY. Identifiers: Orphanet 34520, MedGen C2750786, MONDO:0013177, OMIM 613204.

Submission:

Labcorp Genetics (formerly Invitae), Labcorp
Classification: Pathogenic for Congenital muscular dystrophy due to integrin alpha-7 deficiency. Last evaluated: 2022-07-12. Review status: criteria provided, single submitter. Criteria: Invitae Variant Classification Sherloc (09022015). Collection method: clinical testing. Allele origin: germline.
Comment: This sequence change creates a premature translational stop signal (p.Arg173Glyfs*56) in the ITGA7 gene. It is expected to result in an absent or disrupted protein product. Loss-of-function variants in ITGA7 are known to be pathogenic (PMID: 9590299). This variant is not present in population databases (gnomAD no frequency). This variant has not been reported in the literature in individuals affected with ITGA7-related conditions. ClinVar contains an entry for this variant (Variation ID: 1072319). For these reasons, this variant has been classified as Pathogenic.

Literature cited by the submitters: PubMed 9590299.

NM_002206.3(ITGA7):c.517del (p.Arg173fs)

Gene: ITGA7 (integrin subunit alpha 7; minus strand). Cytogenetic location: 12q13.2.
Variant type: Deletion.
Coding change: c.517del on transcript NM_002206.3 (MANE Select); coding-DNA position 517, one base deleted (C; older notation c.517delC).
Protein change: p.Arg173fs; shifts the reading frame from arginine 173.
Molecular consequence: frameshift variant. On other transcripts: 5 prime UTR variant (1).
Genome position (GRCh38, 1-based): chr12:55,701,052, G deleted on the plus strand (C on the coding strand, the reverse complement: ITGA7 is on the minus strand); the first of 2 consecutive G bases (chr12:55,701,052-55,701,053); deleting either gives the same sequence. VCF-style (leftmost placement, unchanged base first): chr12-55701051-CG-C. GRCh37 (hg19) VCF-style: chr12-56094835-CG-C.
Other names: c.517del, p.Arg173fs (NM_001144996.2, NM_001374465.1); c.225delC, p.Arg76Glyfs (NM_001144997.2); c.178del, p.Arg60fs (NM_001367993.1); c.-656del (NM_001367994.1); c.516delC, p.Arg173Glyfs (NM_001410977.1, NM_001414029.1, NM_001414030.1 and 3 more transcripts); c.177delC, p.Arg60Glyfs (NM_001414035.1); short protein forms R173fs, R60fs, R76fs.
Identifiers: ClinVar variation 1072319 (VCV001072319.7), dbSNP rs2136056222, ClinGen allele CA2499221757.